The following is an entry in ClinVar:

ClinVar aggregate classification (germline): Pathogenic/Likely pathogenic. Review status: criteria provided, multiple submitters, no conflicts (2 of 4 stars). 12 submissions from 12 submitters: Pathogenic (7); Likely pathogenic (2). 3 of the submissions do not count toward it. Last evaluated 2026-04-02.

Conditions:
Fanconi anemia (FA). Also called: Fanconi's anemia. Identifiers: Orphanet 84, MedGen C0015625, MeSH D005199, MONDO:0019391.
Fanconi anemia complementation group A (FANCA). Also called: FANCA-Related Fanconi Anemia; Fanconi anemia, group A. Identifiers: Orphanet 84, MedGen C3469521, MONDO:0009215, OMIM 227650.

Allele frequency attached by ClinVar (database versions not stated): ExAC 0.00001; TOPMed 0.00001.
gnomAD v4.1: 14 of 1,613,260 alleles (0.00087%); highest among the groups gnomAD compares: Admixed American, 0.005%; no homozygotes.

Submissions (12):

GeneDx
Classification: Pathogenic. Last evaluated: 2026-04-02. Review status: criteria provided, single submitter. Criteria: GeneDx Variant Classification Process June 2021. Collection method: clinical testing. Allele origin: germline.
Comment: Published functional studies demonstrate a damaging effect (PMID: 24349332); In silico analysis supports that this missense variant has a deleterious effect on protein structure/function; This variant is associated with the following publications: (PMID: 30057198, 15643609, 27577878, 17924555, 22778927, 26799702, 28215707, 16084127, 28717661, 21273304, 24584348, 29269525, 29098742, 34422195, 35417938, 36744932, 31589614, 33482836, 35512711, 34585473, 38511139, 36894310, 24349332)

Dasa
Classification: Pathogenic. Last evaluated: 2025-11-07. Review status: criteria provided, single submitter. Criteria: DASA Assertion Criteria. Collection method: clinical testing. Allele origin: germline.
Comment: NM_000135.4(FANCA):c.2851C>T (p.Arg951Trp) is a missense variant that results in the substitution of arginine with tryptophan. This variant has been observed in affected individuals with related phenotype in a genotype context consistent with recessive disease (PMID: 29269525; PMID: 24349332; PMID: 32002546; PMID: 21273304; PMID: 9399890). Functional evidence supports a deleterious effect on the gene or gene product (PMID: 29269525; PMID: 24349332; PMID: 32002546; PMID: 21273304; PMID: 9399890). This variant has been recurrently observed in individuals with related phenotype (PMID: 29269525; PMID: 24349332; PMID: 32002546; PMID: 21273304; PMID: 9399890). Multiple computational predictions support a deleterious effect on the gene or gene product. The variant is present at low frequency in population datasets. Based on the available data, this variant is classified as pathogenic.

Revvity Omics, Revvity
Classification: Pathogenic for Fanconi anemia complementation group A. Last evaluated: 2025-05-08. Review status: criteria provided, single submitter. Criteria: ACMG Guidelines, 2015. Collection method: clinical testing. Allele origin: germline.

Labcorp Genetics (formerly Invitae), Labcorp
Classification: Pathogenic for Fanconi anemia. Last evaluated: 2025-03-23. Review status: criteria provided, single submitter. Criteria: Invitae Variant Classification Sherloc (09022015). Collection method: clinical testing. Allele origin: germline.
Comment: This sequence change replaces arginine, which is basic and polar, with tryptophan, which is neutral and slightly polar, at codon 951 of the FANCA protein (p.Arg951Trp). This variant is present in population databases (rs755546887, gnomAD 0.009%). This missense change has been observed in individual(s) with Fanconi anemia (PMID: 17924555, 22778927, 24584348, 26799702). In at least one individual the data is consistent with being in trans (on the opposite chromosome) from a pathogenic variant. ClinVar contains an entry for this variant (Variation ID: 408196). Invitae Evidence Modeling of protein sequence and biophysical properties (such as structural, functional, and spatial information, amino acid conservation, physicochemical variation, residue mobility, and thermodynamic stability) indicates that this missense variant is expected to disrupt FANCA protein function with a positive predictive value of 95%. Experimental studies have shown that this missense change affects FANCA function (PMID: 24349332). For these reasons, this variant has been classified as Pathogenic.

Natera, Inc.
Classification: Pathogenic for Fanconi anemia. Last evaluated: 2024-07-23. Review status: criteria provided, single submitter. Criteria: Natera Variant Classification Schema (03/2026). Collection method: clinical testing. Allele origin: germline.
Comment: The c.2851C>T variant in FANCA is a missense variant predicted to cause substitution of arginine to tryptophan at amino acid 951. This variant is rare in the general population with a frequency below the threshold expected for the associated phenotype(s). This variant has been observed in one or more individuals affected with the associated recessive disease, as either homozygous or compound heterozygous with a second variant (PMID: 29098742). Functional studies show that this variant may disrupt protein function (PMID: 29269525). A different variant at the same position has been determined to be Pathogenic or Likely Pathogenic. Computational prediction algorithms indicate this variant is likely to affect gene or protein function. Given the available evidence, this variant is classified as Pathogenic.

Baylor Genetics
Classification: Pathogenic for Fanconi anemia complementation group A. Last evaluated: 2024-03-26. Review status: criteria provided, single submitter. Criteria: ACMG Guidelines, 2015. Collection method: clinical testing. Allele origin: unknown.

Genomic Medicine Center of Excellence, King Faisal Specialist Hospital and Research Centre
Classification: Likely pathogenic for Fanconi anemia, complementation group A. Last evaluated: 2024-03-14. Review status: criteria provided, single submitter. Criteria: ACMG Guidelines, 2015. Collection method: clinical testing. Allele origin: germline.

Fulgent Genetics
Classification: Likely pathogenic for Fanconi anemia complementation group A. Last evaluated: 2021-07-05. Review status: criteria provided, single submitter. Criteria: ACMG Guidelines, 2015. Collection method: clinical testing. Allele origin: unknown.

Juno Genomics, Hangzhou Juno Genomics, Inc
Classification: Pathogenic for Fanconi anemia complementation group A. Review status: criteria provided, single submitter. Criteria: ACMG Guidelines, 2015. Collection method: clinical testing. Allele origin: germline.
Comment: Absent from controls (or at extremely low frequency if recessive) in Genome Aggregation Database.;For recessive disorders, detected in trans with a pathogenic variant.;Patient's phenotype or family history is highly specific for a disease with a single genetic etiology.;Well-established in vitro or in vivo functional studies supportive of a damaging effect on the gene or gene product.

Leiden Open Variation Database
Classification: Pathogenic for Fanconi anemia complementation group A. Last evaluated: 2020-02-28. Review status: no assertion criteria provided. Collection method: curation. Allele origin: germline. Affected: yes. Not counted in ClinVar's aggregate classification.
Comment: Curator: Arleen D. Auerbach. Submitters to LOVD: Arleen D. Auerbach, Daniela Pilonetto, Johan de Winter, Sue Richards.

Counsyl
Classification: Likely pathogenic for Fanconi anemia complementation group A. Last evaluated: 2017-08-29. Review status: no assertion criteria provided. Collection method: clinical testing. Allele origin: unknown. Not counted in ClinVar's aggregate classification.

GeneReviews
No classification provided. Condition: Fanconi anemia complementation group A. Review status: no classification provided. Collection method: literature only. Allele origin: germline. Not counted in ClinVar's aggregate classification.
Comment: Associated with slower hematologic disease progression

Literature cited by the submitters: PubMed 29269525 (cited by 3 submitters); PubMed 24349332 (cited by 3 submitters); PubMed 32002546 (cited by Dasa); PubMed 21273304 (cited by Dasa and Counsyl); PubMed 9399890 (cited by Dasa); PubMed 17924555 (cited by 3 submitters); PubMed 22778927 (cited by 3 submitters); PubMed 24584348 (cited by Labcorp Genetics (formerly Invitae), Labcorp and Counsyl); PubMed 26799702 (cited by Labcorp Genetics (formerly Invitae), Labcorp and Counsyl); PubMed 29098742 (cited by Natera, Inc.); PubMed 15643609 (cited by Leiden Open Variation Database and Counsyl); PubMed 16084127 (cited by Leiden Open Variation Database); PubMed 20301575 (cited by GeneReviews).

NM_000135.4(FANCA):c.2851C>T (p.Arg951Trp)

Gene: FANCA (FA complementation group A; minus strand). Cytogenetic location: 16q24.3.
Variant type: single nucleotide variant.
Coding change: c.2851C>T on transcript NM_000135.4 (MANE Select); coding-DNA position 2851, C replaced by T.
Protein change: p.Arg951Trp; replaces arginine 951 with tryptophan.
Molecular consequence: missense variant.
Genome position (GRCh38, 1-based): chr16:89,761,950, G>A on the plus strand (C>T on the coding strand, the complement: FANCA is on the minus strand). VCF-style: chr16-89761950-G-A. GRCh37 (hg19) VCF-style: chr16-89828358-G-A.
Other names: c.2851C>T (NM_000135.3); c.2851C>T, p.Arg951Trp (NM_001286167.3); short protein forms R951W.
Identifiers: ClinVar variation 408196 (VCV000408196.29), dbSNP rs755546887, ClinGen allele CA8251482.